The following is an entry in ClinVar:

NM_000271.5(NPC1):c.743G>T (p.Gly248Val)

Gene: NPC1 (NPC intracellular cholesterol transporter 1; minus strand). Cytogenetic location: 18q11.2.
Variant type: single nucleotide variant.
Coding change: c.743G>T on transcript NM_000271.5 (MANE Select); coding-DNA position 743, G replaced by T.
Protein change: p.Gly248Val; replaces glycine 248 with valine.
Molecular consequence: missense variant.
Genome position (GRCh38, 1-based): chr18:23,560,369, C>A on the plus strand (G>T on the coding strand, the complement: NPC1 is on the minus strand). VCF-style: chr18-23560369-C-A. GRCh37 (hg19) VCF-style: chr18-21140333-C-A.
Other names: short protein forms G248V.
Identifiers: ClinVar variation 995578 (VCV000995578.8), dbSNP rs1230538609, ClinGen allele CA401781217.

ClinVar aggregate classification (germline): Likely pathogenic. Review status: criteria provided, multiple submitters, no conflicts (2 of 4 stars). 5 submissions from 5 submitters: Likely pathogenic (5). Last evaluated 2025-09-02.

Conditions:
NPC1-related disorder. Also called: NPC1-related condition.
Niemann-Pick disease, type C1. Also called: NIEMANN-PICK DISEASE, VARIANT TYPE C1; NEUROVISCERAL STORAGE DISEASE WITH VERTICAL SUPRANUCLEAR OPHTHALMOPLEGIA; NIEMANN-PICK DISEASE WITH CHOLESTEROL ESTERIFICATION BLOCK; NIEMANN-PICK DISEASE WITHOUT SPHINGOMYELINASE DEFICIENCY; NIEMANN-PICK DISEASE, CHRONIC NEURONOPATHIC FORM. Identifiers: Orphanet 646, MedGen C3179455, MONDO:0009757, OMIM 257220.
Niemann-Pick disease, type C (NPC). Identifiers: Orphanet 646, MedGen C0220756, MONDO:0018982.

Allele frequency attached by ClinVar (database versions not stated): gnomAD 0.00001; TOPMed 0.00001.
gnomAD v4.1: 16 of 1,614,052 alleles (0.00099%); highest among the groups gnomAD compares: Non-Finnish European, 0.0012%; no homozygotes.

Submissions (5):

Labcorp Genetics (formerly Invitae), Labcorp
Classification: Likely pathogenic for Niemann-Pick disease, type C1. Last evaluated: 2025-09-02. Review status: criteria provided, single submitter. Criteria: Invitae Variant Classification Sherloc (09022015). Collection method: clinical testing. Allele origin: germline.
Comment: This sequence change replaces glycine, which is neutral and non-polar, with valine, which is neutral and non-polar, at codon 248 of the NPC1 protein (p.Gly248Val). The frequency data for this variant in the population databases is considered unreliable, as metrics indicate poor data quality at this position in the gnomAD database. This missense change has been observed in individual(s) with Niemann-Pick disease type C (PMID: 11349231, 27139891, 29930972). ClinVar contains an entry for this variant (Variation ID: 995578). Invitae Evidence Modeling of protein sequence and biophysical properties (such as structural, functional, and spatial information, amino acid conservation, physicochemical variation, residue mobility, and thermodynamic stability) indicates that this missense variant is expected to disrupt NPC1 protein function with a positive predictive value of 95%. In summary, the currently available evidence indicates that the variant is pathogenic, but additional data are needed to prove that conclusively. Therefore, this variant has been classified as Likely Pathogenic.

Natera, Inc.
Classification: Likely pathogenic for Niemann-Pick disease type C1. Last evaluated: 2025-05-22. Review status: criteria provided, single submitter. Criteria: Natera Variant Classification Schema (03/2026). Collection method: clinical testing. Allele origin: germline.
Comment: The c.743G>T variant in NPC1 is a missense variant predicted to cause substitution of glycine to valine at amino acid 248. This variant is rare in the general population with a frequency below the threshold expected for the associated phenotype(s). This variant has been observed in one or more individuals affected with the associated recessive disease, as either homozygous or compound heterozygous with a second variant (PMID: 11349231, 29930972). This variant has been identified in one or more affected individuals with a phenotype highly consistent with the associated gene (PMID: 29930972). Computational prediction algorithms indicate this variant is likely to affect gene or protein function. Given the available evidence, this variant is classified as Likely Pathogenic.

Women's Health and Genetics/Laboratory Corporation of America, LabCorp
Classification: Likely pathogenic for Niemann-Pick disease, type C. Last evaluated: 2025-03-14. Review status: criteria provided, single submitter. Criteria: LabCorp Variant Classification Summary - May 2015. Collection method: clinical testing. Allele origin: germline.
Comment: Variant summary: NPC1 c.743G>T (p.Gly248Val) results in a non-conservative amino acid change in the encoded protein sequence. Four of five in-silico tools predict a damaging effect of the variant on protein function. The variant allele was found at a frequency of 8e-06 in 250680 control chromosomes. c.743G>T has been reported in the literature in individuals affected with Niemann-Pick Disease Type C (Sun_2001, Ebrahimi-Fakhari_2018, Furtado_2022, Mazzacuva_2016). These data indicate that the variant is likely to be associated with disease. To our knowledge, no experimental evidence demonstrating an impact on protein function has been reported. The following publications have been ascertained in the context of this evaluation (PMID: 29930972, 36125338, 27139891, 11349231). ClinVar contains an entry for this variant (Variation ID: 995578). Based on the evidence outlined above, the variant was classified as likely pathogenic.

Blueprint Genetics
Classification: Likely pathogenic for NPC1-related disorders. Last evaluated: 2023-12-12. Review status: criteria provided, single submitter. Criteria: ACMG Guidelines, 2015. Collection method: clinical testing. Allele origin: germline. Affected: yes. Observed: 2 variant alleles.

Molecular Diagnostics Laboratory, M Health Fairview: University of Minnesota
Classification: Likely pathogenic for Niemann-Pick disease, type C1. Last evaluated: 2020-10-08. Review status: criteria provided, single submitter. Criteria: ACMG Guidelines, 2015. Collection method: clinical testing. Allele origin: germline. Affected: yes.

Literature cited by the submitters: PubMed 11349231 (cited by 3 submitters); PubMed 27139891 (cited by Labcorp Genetics (formerly Invitae), Labcorp and Women's Health and Genetics/Laboratory Corporation of America, LabCorp); PubMed 29930972 (cited by 3 submitters); PubMed 36125338 (cited by Women's Health and Genetics/Laboratory Corporation of America, LabCorp).